The following is an entry in ClinVar:

NM_020183.6(BMAL2):c.221C>T (p.Ser74Phe)

Gene: BMAL2 (basic helix-loop-helix ARNT like 2; plus strand). Cytogenetic location: 12p11.23.
Variant type: single nucleotide variant.
Coding change: c.221C>T on transcript NM_020183.6 (MANE Select); coding-DNA position 221, C replaced by T.
Protein change: p.Ser74Phe; replaces serine 74 with phenylalanine.
Molecular consequence: missense variant. On other transcripts: intron variant (7).
Genome position (GRCh38, 1-based): chr12:27,370,167, C>T. VCF-style: chr12-27370167-C-T. GRCh37 (hg19) VCF-style: chr12-27523100-C-T.
Other names: c.221C>T, p.Ser74Phe (NM_001248002.3); c.254C>T, p.Ser85Phe (NM_001394524.1, NM_001394525.1); c.215+1755C>T (NM_001248003.3, NM_001248005.3, NM_001394528.1); c.182+1755C>T (NM_001394526.1, NM_001248004.3, NM_001394527.1 and 1 more transcripts); short protein forms S74F, S85F.
Identifiers: ClinVar variation 3904883 (VCV003904883.10).

ClinVar aggregate classification (germline): Likely benign (1 of 4 stars; one submission).

gnomAD v4.1: 2,463 of 1,614,090 alleles (0.15%); highest among the groups gnomAD compares: South Asian, 0.96%; 15 homozygotes.

Submission:

CeGaT Center for Human Genetics Tuebingen
Classification: Likely benign. Last evaluated: 2025-06-01. Review status: criteria provided, single submitter. Criteria: CeGaT Center For Human Genetics Tuebingen Variant Classification Criteria Version 2. Collection method: clinical testing. Allele origin: germline. Affected: yes. Observed: 1 variant allele.
Comment: BMAL2: BS2